The following is an entry in ClinVar:

NM_005709.4(USH1C):c.1211-3_1232del

Gene: USH1C (USH1 protein network component harmonin; minus strand). Cytogenetic location: 11p15.1.
Variant type: Deletion.
Coding change: c.1211-3_1232del on transcript NM_005709.4 (MANE Plus Clinical); 3 bases into the intron before coding-DNA position 1211 through coding-DNA position 1232, 25 bases deleted (TAGATGATCAGGGAGTGGAACCTGA).
Molecular consequence: splice acceptor variant. On other transcripts: intron variant (1).
Genome position (GRCh38, 1-based): chr11:17,517,453-17,517,477, TCAGGTTCCACTCCCTGATCATCTA deleted on the plus strand (TAGATGATCAGGGAGTGGAACCTGA on the coding strand, the reverse complement: USH1C is on the minus strand). VCF-style (leftmost placement, unchanged base first): chr11-17517452-CTCAGGTTCCACTCCCTGATCATCTA-C. GRCh37 (hg19) VCF-style: chr11-17538999-CTCAGGTTCCACTCCCTGATCATCTA-C.
Other names: c.1154-3_1175del (NM_001297764.2); c.1211-1187_1211-1163del (NM_153676.4).
Identifiers: ClinVar variation 1065977 (VCV001065977.9), dbSNP rs1246699436, ClinGen allele CA674233819.
Genomic context (GRCh38, chr11:17,517,452, plus strand): 5'-GACGCGAACCTGCTCTCCCTGCTCCTCCGTGCCTCCATCCAGGTCATCTGCGGGCTCGAG[CTCAGGTTCCACTCCCTGATCATCTA>C]CCCAGGGAAAAGAGGAGGAAGCTGGTGAACCAAAAGGGACTTGGGAGCCCAAGAGGCCGG-3'

ClinVar aggregate classification (germline): Likely pathogenic. Review status: criteria provided, multiple submitters, no conflicts (2 of 4 stars). 3 submissions from 3 submitters: Likely pathogenic (3). Last evaluated 2024-11-18.

Conditions:
USH1C-related disorder. Also called: USH1C-related condition.
Autosomal recessive nonsyndromic hearing loss 18A. Also called: DEAFNESS, AUTOSOMAL RECESSIVE 18; Deafness, autosomal recessive 18A. Identifiers: Orphanet 90636, MedGen C1865870, MONDO:0011192, OMIM 602092.

Allele frequency attached by ClinVar (database versions not stated): gnomAD exomes below 0.00001; TOPMed below 0.00001; gnomAD 0.00001.

Submissions (3):

Labcorp Genetics (formerly Invitae), Labcorp
Classification: Likely pathogenic. Last evaluated: 2024-11-18. Review status: criteria provided, single submitter. Criteria: Invitae Variant Classification Sherloc (09022015). Collection method: clinical testing. Allele origin: germline.
Comment: This variant results in the deletion of part of exon 15 (c.1211-3_1232del) of the USH1C gene. It is expected to disrupt RNA splicing. Variants that disrupt the donor or acceptor splice site typically lead to a loss of protein function (PMID: 16199547), and loss-of-function variants in USH1C are known to be pathogenic (PMID: 10973247, 17407589, 20301442, 21203349). This variant is not present in population databases (gnomAD no frequency). This variant has not been reported in the literature in individuals affected with USH1C-related conditions. ClinVar contains an entry for this variant (Variation ID: 1065977). In summary, the currently available evidence indicates that the variant is pathogenic, but additional data are needed to prove that conclusively. Therefore, this variant has been classified as Likely Pathogenic.

Baylor Genetics
Classification: Likely pathogenic for Autosomal recessive nonsyndromic hearing loss 18A. Last evaluated: 2023-10-17. Review status: criteria provided, single submitter. Criteria: ACMG Guidelines, 2015. Collection method: clinical testing. Allele origin: unknown.

Blueprint Genetics
Classification: Likely pathogenic for USH1C-related disorders. Last evaluated: 2019-08-27. Review status: criteria provided, single submitter. Criteria: ACMG Guidelines, 2015. Collection method: clinical testing. Allele origin: germline. Affected: yes. Observed: 1 variant allele.

Literature cited by the submitters: PubMed 16199547 (cited by Labcorp Genetics (formerly Invitae), Labcorp); PubMed 10973247 (cited by Labcorp Genetics (formerly Invitae), Labcorp); PubMed 17407589 (cited by Labcorp Genetics (formerly Invitae), Labcorp); PubMed 20301442 (cited by Labcorp Genetics (formerly Invitae), Labcorp); PubMed 21203349 (cited by Labcorp Genetics (formerly Invitae), Labcorp).